The following is an entry in ClinVar:

NC_000023.11:g.(?_31729625)_(31774198_?)del

Gene: DMD (dystrophin; minus strand). Cytogenetic location: Xp21.1.
Variant type: Deletion.
Identifiers: ClinVar variation 526173 (VCV000526173.2).

ClinVar aggregate classification (germline): Pathogenic (1 of 4 stars; one submission).

Conditions:
Duchenne muscular dystrophy (DMD). Also called: Duchenne Muscular Dystrophy (DMD); MUSCULAR DYSTROPHY, PSEUDOHYPERTROPHIC PROGRESSIVE, DUCHENNE TYPE. Identifiers: Orphanet 98896, MedGen C0013264, MONDO:0010679, OMIM 310200.

Submission:

Labcorp Genetics (formerly Invitae), Labcorp
Classification: Pathogenic for Duchenne muscular dystrophy. Last evaluated: 2019-10-17. Review status: criteria provided, single submitter. Criteria: Invitae Variant Classification Sherloc (09022015). Collection method: clinical testing. Allele origin: germline.
Comment: This variant is an in-frame deletion of the genomic region encompassing exons 51-52 of the DMD gene. It preserves the integrity of the reading frame. This variant has been reported in several individuals affected with Duchenne muscular dystrophy (PMID: 10480348, 17259292, 23914114). For these reasons, this variant has been classified as Pathogenic.

Literature cited by the submitters: PubMed 10480348; PubMed 17259292; PubMed 23914114.